The following is an entry in ClinVar:

NM_001048174.2(MUTYH):c.246C>A (p.Asp82Glu)

Gene: MUTYH (mutY DNA glycosylase; minus strand). Cytogenetic location: 1p34.1.
Variant type: single nucleotide variant.
Coding change: c.246C>A on transcript NM_001048174.2 (MANE Select); coding-DNA position 246, C replaced by A.
Protein change: p.Asp82Glu; replaces aspartic acid 82 with glutamic acid.
Molecular consequence: missense variant. On other transcripts: 5 prime UTR variant (4), non-coding transcript variant (2).
Genome position (GRCh38, 1-based): chr1:45,333,431, G>T on the plus strand (C>A on the coding strand, the complement: MUTYH is on the minus strand). VCF-style: chr1-45333431-G-T. GRCh37 (hg19) VCF-style: chr1-45799103-G-T.
Other names: c.246C>A, p.Asp82Glu (NM_001048171.2, NM_001048173.2, NM_001293195.2); c.249C>A, p.Asp83Glu (NM_001048172.2); c.330C>A, p.Asp110Glu (NM_001128425.2); c.291C>A, p.Asp97Glu (NM_001293190.2); c.279C>A, p.Asp93Glu (NM_001293191.2); c.-31C>A (NM_001293192.2, NM_001293196.2); c.-26C>A (NM_001350650.2, NM_001350651.2); c.321C>A, p.Asp107Glu (NM_012222.3); short protein forms D110E, D107E, D82E, D83E, D93E, D97E.
Identifiers: ClinVar variation 479988 (VCV000479988.21), dbSNP rs1553130086, ClinGen allele CA340136366.
Genomic context (GRCh38, chr1:45,333,431, plus strand): 5'-TGCCTGCCTCCCACCCACTGTCCCTGCTCCTCGCCTGCCTACCCGTCTTCTCCATGGTAG[G>T]TCCCGTTTCTCTTGGTCGTACCAGCTTAGCAGGCTCCCTCGGAAGGCTGTGACTTCAGCT-3'
Protein context (NP_001041639.1, residues 72-92): LLSWYDQEKR[Asp82Glu]LPWRRRAEDE

ClinVar aggregate classification (germline): Conflicting classifications of pathogenicity. Review status: criteria provided, conflicting classifications (1 of 4 stars). 3 submissions from 3 submitters: Uncertain significance (2); Likely benign (1). Last evaluated 2025-09-09.

Conditions:
Hereditary cancer-predisposing syndrome. Also called: Hereditary neoplastic syndrome; Hereditary Cancer Syndrome; Neoplastic Syndromes, Hereditary; Tumor predisposition. Identifiers: Orphanet 140162, MedGen C0027672, MeSH D009386, MONDO:0015356.
Familial adenomatous polyposis 2. Also called: MYH-associated polyposis; COLORECTAL ADENOMATOUS POLYPOSIS, AUTOSOMAL RECESSIVE; ADENOMAS, MULTIPLE COLORECTAL, AUTOSOMAL RECESSIVE; MUTYH-related attenuated familial adenomatous polyposis; Adenomas, multiple colorectal; FAP type 2. Identifiers: Orphanet 220460, Orphanet 247798, MedGen C3272841, MONDO:0012041, OMIM 608456.

Submissions (3):

Ambry Genetics
Classification: Likely benign for Hereditary cancer-predisposing syndrome. Last evaluated: 2025-09-09. Review status: criteria provided, single submitter. Criteria: Ambry Variant Classification Scheme 2023. Collection method: clinical testing. Allele origin: germline.

Color Diagnostics, LLC DBA Color Health
Classification: Uncertain significance for Hereditary cancer-predisposing syndrome. Last evaluated: 2024-03-06. Review status: criteria provided, single submitter. Criteria: ACMG Guidelines, 2015. Collection method: clinical testing. Allele origin: germline.
Comment: This missense variant replaces aspartic acid with glutamic acid at codon 110 of the MUTYH protein. Computational prediction suggests that this variant may not impact protein structure and function (internally defined REVEL score threshold <= 0.5, PMID: 27666373). Splice site prediction tools suggest that this variant may not impact RNA splicing. To our knowledge, functional studies have not been performed for this variant. This variant has not been reported in individuals affected with hereditary cancer in the literature. This variant has not been identified in the general population by the Genome Aggregation Database (gnomAD). The available evidence is insufficient to determine the role of this variant in disease conclusively. Therefore, this variant is classified as a Variant of Uncertain Significance.

Labcorp Genetics (formerly Invitae), Labcorp
Classification: Uncertain significance for Familial adenomatous polyposis 2. Last evaluated: 2023-08-08. Review status: criteria provided, single submitter. Criteria: Invitae Variant Classification Sherloc (09022015). Collection method: clinical testing. Allele origin: germline.
Comment: This sequence change replaces aspartic acid, which is acidic and polar, with glutamic acid, which is acidic and polar, at codon 110 of the MUTYH protein (p.Asp110Glu). This variant is not present in population databases (gnomAD no frequency). This variant has not been reported in the literature in individuals affected with MUTYH-related conditions. ClinVar contains an entry for this variant (Variation ID: 479988). An algorithm developed to predict the effect of missense changes on protein structure and function (PolyPhen-2) suggests that this variant is likely to be tolerated. In summary, the available evidence is currently insufficient to determine the role of this variant in disease. Therefore, it has been classified as a Variant of Uncertain Significance.